The following is an entry in ClinVar:

NM_000540.3(RYR1):c.9941C>G (p.Ser3314Cys)

Gene: RYR1 (ryanodine receptor 1; plus strand). Cytogenetic location: 19q13.2.
Variant type: single nucleotide variant.
Coding change: c.9941C>G on transcript NM_000540.3 (MANE Select); coding-DNA position 9941, C replaced by G.
Protein change: p.Ser3314Cys; replaces serine 3314 with cysteine.
Molecular consequence: missense variant.
Genome position (GRCh38, 1-based): chr19:38,517,614, C>G. VCF-style: chr19-38517614-C-G. GRCh37 (hg19) VCF-style: chr19-39008254-C-G.
Other names: c.9941C>G, p.Ser3314Cys (NM_001042723.2); short protein forms S3314C.
Identifiers: ClinVar variation 575805 (VCV000575805.8), dbSNP rs776382789, ClinGen allele CA074345.

ClinVar aggregate classification (germline): Uncertain significance (1 of 4 stars; one submission).

Conditions:
RYR1-related disorder. Also called: RYR1-related disorders; RYR1-related condition. Identifiers: MedGen CN239331.

Allele frequency attached by ClinVar (database versions not stated): ExAC 0.00001; gnomAD exomes 0.00001 and 0.00002; TOPMed 0.00001.
gnomAD v4.1: 6 of 1,614,214 alleles (0.00037%); highest among the groups gnomAD compares: Admixed American, 0.01%; no homozygotes.

Submission:

Labcorp Genetics (formerly Invitae), Labcorp
Classification: Uncertain significance for RYR1-related disorder. Last evaluated: 2024-10-08. Review status: criteria provided, single submitter. Criteria: Invitae Variant Classification Sherloc (09022015). Collection method: clinical testing. Allele origin: germline.
Comment: This sequence change replaces serine, which is neutral and polar, with cysteine, which is neutral and slightly polar, at codon 3314 of the RYR1 protein (p.Ser3314Cys). This variant is present in population databases (rs776382789, gnomAD 0.01%). This variant has not been reported in the literature in individuals affected with RYR1-related conditions. ClinVar contains an entry for this variant (Variation ID: 575805). Invitae Evidence Modeling of protein sequence and biophysical properties (such as structural, functional, and spatial information, amino acid conservation, physicochemical variation, residue mobility, and thermodynamic stability) indicates that this missense variant is not expected to disrupt RYR1 protein function with a negative predictive value of 80%. In summary, the available evidence is currently insufficient to determine the role of this variant in disease. Therefore, it has been classified as a Variant of Uncertain Significance.